The following is an entry in ClinVar:

ClinVar aggregate classification (germline): Uncertain significance. Review status: criteria provided, multiple submitters, no conflicts (2 of 4 stars). 2 submissions from 2 submitters: Uncertain significance (2). Last evaluated 2023-11-06.

Conditions:
Familial hypocalciuric hypercalcemia (FHH). Also called: Familial benign hypercalcemia. Identifiers: Orphanet 405, MedGen C1809471, MONDO:0018458.
Autosomal dominant hypocalcemia 1 (HYPOC1). Also called: HYPOCALCEMIA, FAMILIAL. Identifiers: MedGen C3715128, MONDO:0011013, OMIM 601198.
Nephrolithiasis/nephrocalcinosis. Identifiers: MedGen CN580796.

Allele frequency attached by ClinVar (database versions not stated): gnomAD exomes below 0.00001; ExAC 0.00001; gnomAD 0.00001; TOPMed 0.00001.
gnomAD v4.1: 4 of 1,614,040 alleles (0.00025%); highest among the groups gnomAD compares: Admixed American, 0.0033%; no homozygotes.

Submissions (2):

Labcorp Genetics (formerly Invitae), Labcorp
Classification: Uncertain significance for Familial hypocalciuric hypercalcemia; Autosomal dominant hypocalcemia 1. Last evaluated: 2023-11-06. Review status: criteria provided, single submitter. Criteria: Invitae Variant Classification Sherloc (09022015). Collection method: clinical testing. Allele origin: germline.
Comment: This sequence change replaces aspartic acid, which is acidic and polar, with asparagine, which is neutral and polar, at codon 371 of the CASR protein (p.Asp371Asn). This variant is present in population databases (rs768952710, gnomAD 0.0009%). This variant has not been reported in the literature in individuals affected with CASR-related conditions. ClinVar contains an entry for this variant (Variation ID: 572981). An algorithm developed to predict the effect of missense changes on protein structure and function (PolyPhen-2) suggests that this variant is likely to be tolerated. In summary, the available evidence is currently insufficient to determine the role of this variant in disease. Therefore, it has been classified as a Variant of Uncertain Significance.

Ambry Genetics
Classification: Uncertain significance for Nephrolithiasis/nephrocalcinosis. Last evaluated: 2022-11-20. Review status: criteria provided, single submitter. Criteria: Ambry Variant Classification Scheme 2023. Collection method: clinical testing. Allele origin: germline.
Comment: The p.D371N variant (also known as c.1111G>A), located in coding exon 3 of the CASR gene, results from a G to A substitution at nucleotide position 1111. The aspartic acid at codon 371 is replaced by asparagine, an amino acid with highly similar properties. This amino acid position is conserved. In addition, this alteration is predicted to be tolerated by in silico analysis. Since supporting evidence is limited at this time, the clinical significance of this alteration remains unclear.

NM_000388.4(CASR):c.1111G>A (p.Asp371Asn)

Gene: CASR (calcium sensing receptor; plus strand). Cytogenetic location: 3q21.1.
Variant type: single nucleotide variant.
Coding change: c.1111G>A on transcript NM_000388.4 (MANE Select); coding-DNA position 1111, G replaced by A.
Protein change: p.Asp371Asn; replaces aspartic acid 371 with asparagine.
Molecular consequence: missense variant.
Genome position (GRCh38, 1-based): chr3:122,262,146, G>A. VCF-style: chr3-122262146-G-A. GRCh37 (hg19) VCF-style: chr3-121980993-G-A.
Other names: c.1111G>A, p.Asp371Asn (NM_001178065.2); short protein forms D371N.
Identifiers: ClinVar variation 572981 (VCV000572981.11), dbSNP rs768952710, ClinGen allele CA2569594.